The following is an entry in ClinVar:

NM_021625.5(TRPV4):c.1840C>G (p.Leu614Val)

Gene: TRPV4 (transient receptor potential cation channel subfamily V member 4; minus strand). Cytogenetic location: 12q24.11.
Variant type: single nucleotide variant.
Coding change: c.1840C>G on transcript NM_021625.5 (MANE Select); coding-DNA position 1840, C replaced by G.
Protein change: p.Leu614Val; replaces leucine 614 with valine.
Molecular consequence: missense variant.
Genome position (GRCh38, 1-based): chr12:109,792,414, G>C on the plus strand (C>G on the coding strand, the complement: TRPV4 is on the minus strand). VCF-style: chr12-109792414-G-C. GRCh37 (hg19) VCF-style: chr12-110230219-G-C.
Other names: c.1699C>G, p.Leu567Val (NM_001177428.2); c.1738C>G, p.Leu580Val (NM_001177431.2); c.1519C>G, p.Leu507Val (NM_001177433.2); c.1660C>G, p.Leu554Val (NM_147204.3); short protein forms L507V, L567V, L580V, L614V, L554V.
Identifiers: ClinVar variation 1781149 (VCV001781149.2), dbSNP rs1330747174, ClinGen allele CA386651838.

ClinVar aggregate classification (germline): Uncertain significance (1 of 4 stars; one submission).

Conditions:
Inborn genetic diseases. Identifiers: MedGen C0950123, MeSH D030342.

gnomAD v4.1: 1 of 1,613,972 alleles (0.000062%); highest among the groups gnomAD compares: Non-Finnish European, 0.000085%; no homozygotes.

Submission:

Ambry Genetics
Classification: Uncertain significance for Inborn genetic diseases. Last evaluated: 2021-08-30. Review status: criteria provided, single submitter. Criteria: Ambry Variant Classification Scheme 2023. Collection method: clinical testing. Allele origin: germline.
Comment: The p.L614V variant (also known as c.1840C>G), located in coding exon 11 of the TRPV4 gene, results from a C to G substitution at nucleotide position 1840. The leucine at codon 614 is replaced by valine, an amino acid with highly similar properties. This amino acid position is conserved. In addition, this alteration is predicted to be deleterious by in silico analysis. Since supporting evidence is limited at this time, the clinical significance of this alteration remains unclear.